The following is an entry in ClinVar:

ClinVar aggregate classification (germline): Likely benign. Review status: criteria provided, multiple submitters, no conflicts (2 of 4 stars). 9 submissions from 6 submitters: Likely benign (9). Last evaluated 2025-07-30.

Conditions:
Hypokalemic periodic paralysis, type 1. Also called: Hypokalemic Periodic Paralysis Type 1 (AD); HypoPP. Identifiers: Orphanet 681, MedGen C3714580, MONDO:0042979, OMIM 170400.
Malignant hyperthermia, susceptibility to, 5 (MHS5). Also called: CACNA1S-Related Malignant Hyperthermia Susceptibility. Identifiers: Orphanet 423, MedGen C1866077, MONDO:0011163, OMIM 601887.
Thyrotoxic periodic paralysis, susceptibility to, 1 (TTPP1). Identifiers: Orphanet 79102, MedGen C2749982, MONDO:0008570, OMIM 188580.
Congenital myopathy 18. Also called: Myopathy, congenital, due to dihydropyridine receptor defect; DIHYDROPYRIDINE RECEPTOR CONGENITAL MYOPATHY; DHPR CONGENITAL MYOPATHY. Identifiers: MedGen C5830283, MONDO:0859514, OMIM 620246.

Allele frequency attached by ClinVar (database versions not stated): ExAC 0.00001; gnomAD 0.00001; TOPMed 0.00001; gnomAD exomes 0.00003.
gnomAD v4.1: 18 of 1,608,204 alleles (0.0011%); highest among the groups gnomAD compares: Admixed American, 0.01%; no homozygotes.

Submissions (9):

Labcorp Genetics (formerly Invitae), Labcorp
Classification: Likely benign for Hypokalemic periodic paralysis, type 1; Malignant hyperthermia, susceptibility to, 5. Last evaluated: 2025-07-30. Review status: criteria provided, single submitter. Criteria: Invitae Variant Classification Sherloc (09022015). Collection method: clinical testing. Allele origin: germline.

All of Us Research Program, National Institutes of Health
Classification: Likely benign for Malignant hyperthermia, susceptibility to, 5. Last evaluated: 2024-01-08. Review status: criteria provided, single submitter. Criteria: ACMG Guidelines, 2015. Collection method: clinical testing. Allele origin: germline. Inheritance: Autosomal dominant inheritance. Observed: 1 variant allele, 1 heterozygote.
Comment: This study involves interpretation of variants in research participants for the purpose of population health screening. Participant phenotype was not available at the time of variant classification. Additional details can be found in publication PMID: 35346344, PMCID: PMC8962531

Color Diagnostics, LLC DBA Color Health
Classification: Likely benign for Malignant hyperthermia, susceptibility to, 5. Last evaluated: 2023-10-25. Review status: criteria provided, single submitter. Criteria: ACMG Guidelines, 2015. Collection method: clinical testing. Allele origin: germline.

Blueprint Genetics
Classification: Likely benign. Last evaluated: 2023-10-18. Review status: criteria provided, single submitter. Criteria: ACMG Guidelines, 2015. Collection method: clinical testing. Allele origin: germline.

Genome-Nilou Lab
Classification: Likely benign for Malignant hyperthermia, susceptibility to, 5. Last evaluated: 2023-04-11. Review status: criteria provided, single submitter. Criteria: ACMG Guidelines, 2015. Collection method: clinical testing. Allele origin: germline. Affected: no.

Genome-Nilou Lab
Classification: Likely benign for Thyrotoxic periodic paralysis, susceptibility to, 1. Last evaluated: 2023-04-11. Review status: criteria provided, single submitter. Criteria: ACMG Guidelines, 2015. Collection method: clinical testing. Allele origin: germline. Affected: no.

Genome-Nilou Lab
Classification: Likely benign for Congenital myopathy 18. Last evaluated: 2023-04-11. Review status: criteria provided, single submitter. Criteria: ACMG Guidelines, 2015. Collection method: clinical testing. Allele origin: germline. Affected: no.

Genome-Nilou Lab
Classification: Likely benign for Hypokalemic periodic paralysis, type 1. Last evaluated: 2023-04-11. Review status: criteria provided, single submitter. Criteria: ACMG Guidelines, 2015. Collection method: clinical testing. Allele origin: germline. Affected: no.

Fulgent Genetics
Classification: Likely benign for Hypokalemic periodic paralysis, type 1; Thyrotoxic periodic paralysis, susceptibility to, 1; Malignant hyperthermia, susceptibility to, 5. Last evaluated: 2021-08-12. Review status: criteria provided, single submitter. Criteria: ACMG Guidelines, 2015. Collection method: clinical testing. Allele origin: unknown.

NM_000069.3(CACNA1S):c.2658-10C>T

Gene: CACNA1S (calcium voltage-gated channel subunit alpha1 S; minus strand). Cytogenetic location: 1q32.1.
Variant type: single nucleotide variant.
Coding change: c.2658-10C>T on transcript NM_000069.3 (MANE Select); 10 bases into the intron before coding-DNA position 2658, C replaced by T.
Molecular consequence: intron variant.
Genome position (GRCh38, 1-based): chr1:201,066,326, G>A on the plus strand (C>T on the coding strand, the complement: CACNA1S is on the minus strand). VCF-style: chr1-201066326-G-A. GRCh37 (hg19) VCF-style: chr1-201035454-G-A.
Identifiers: ClinVar variation 1086762 (VCV001086762.14), dbSNP rs760659248, ClinGen allele CA079173.